The following is an entry in ClinVar:

NM_001354604.2(MITF):c.1068A>G (p.Ala356=)

Gene: MITF (melanocyte inducing transcription factor; plus strand). Cytogenetic location: 3p13.
Variant type: single nucleotide variant.
Coding change: c.1068A>G on transcript NM_001354604.2 (MANE Select); coding-DNA position 1068, A replaced by G.
Protein change: p.Ala356=; no amino-acid change (alanine 356 retained).
Molecular consequence: synonymous variant.
Genome position (GRCh38, 1-based): chr3:69,959,309, A>G. VCF-style: chr3-69959309-A-G. GRCh37 (hg19) VCF-style: chr3-70008460-A-G.
Other names: c.747A>G, p.Ala249= (NM_000248.4); c.894A>G, p.Ala298= (NM_001184967.2, NM_001354608.2); c.1065A>G, p.Ala355= (NM_001354605.2); c.1047A>G, p.Ala349= (NM_001354606.2, NM_006722.3); c.999A>G, p.Ala333= (NM_001354607.2); c.729A>G, p.Ala243= (NM_198158.3); c.1050A>G, p.Ala350= (NM_198159.3); c.1002A>G, p.Ala334= (NM_198177.3); and 1 more.
Identifiers: ClinVar variation 1944544 (VCV001944544.12), dbSNP rs1426733722, ClinGen allele CA434307081.

ClinVar aggregate classification (germline): Likely benign. Review status: criteria provided, multiple submitters, no conflicts (2 of 4 stars). 3 submissions from 3 submitters: Likely benign (3). Last evaluated 2025-10-01.

Conditions:
Hereditary cancer-predisposing syndrome. Also called: Hereditary neoplastic syndrome; Tumor predisposition; Neoplastic Syndromes, Hereditary; Hereditary Cancer Syndrome. Identifiers: Orphanet 140162, MedGen C0027672, MeSH D009386, MONDO:0015356.
Waardenburg syndrome type 2A (WS2A). Also called: WAARDENBURG SYNDROME WITHOUT DYSTOPIA CANTHORUM. Identifiers: Orphanet 3440, MedGen C1860339, MONDO:0008671, OMIM 193510.
Melanoma, cutaneous malignant, susceptibility to, 8. Also called: MELANOMA AND RENAL CELL CARCINOMA, SUSCEPTIBILITY TO; Cutaneous malignant melanoma 8. Identifiers: Orphanet 293822, MedGen C3152204, MONDO:0013759, OMIM 614456.
Tietz syndrome (TADS). Also called: HYPOPIGMENTATION/DEAFNESS OF TIETZ; ALBINISM-DEAFNESS OF TIETZ; TIETZ ALBINISM-DEAFNESS SYNDROME. Identifiers: Orphanet 42665, MedGen C0391816, MONDO:0007077, OMIM 103500.

Allele frequency attached by ClinVar (database versions not stated): gnomAD 0.00001; TOPMed 0.00001.
gnomAD v4.1: 12 of 1,614,028 alleles (0.00074%); highest among the groups gnomAD compares: Admixed American, 0.0017%; no homozygotes.

Submissions (3):

CeGaT Center for Human Genetics Tuebingen
Classification: Likely benign. Last evaluated: 2025-10-01. Review status: criteria provided, single submitter. Criteria: CeGaT Center For Human Genetics Tuebingen Variant Classification Criteria Version 2. Collection method: clinical testing. Allele origin: germline. Affected: yes. Observed: 1 variant allele.
Comment: MITF: BP4, BP7

Labcorp Genetics (formerly Invitae), Labcorp
Classification: Likely benign for Melanoma, cutaneous malignant, susceptibility to, 8; Waardenburg syndrome type 2A; Tietz syndrome. Last evaluated: 2025-10-01. Review status: criteria provided, single submitter. Criteria: Invitae Variant Classification Sherloc (09022015). Collection method: clinical testing. Allele origin: germline.

Ambry Genetics
Classification: Likely benign for Hereditary cancer-predisposing syndrome. Last evaluated: 2025-03-15. Review status: criteria provided, single submitter. Criteria: Ambry Variant Classification Scheme 2023. Collection method: clinical testing. Allele origin: germline.